The following is an entry in ClinVar:

ClinVar aggregate classification (germline): Likely benign (1 of 4 stars; one submission).

Submission:

CeGaT Center for Human Genetics Tuebingen
Classification: Likely benign. Last evaluated: 2026-04-01. Review status: criteria provided, single submitter. Criteria: CeGaT Center For Human Genetics Tuebingen Variant Classification Criteria Version 2. Collection method: clinical testing. Allele origin: germline. Affected: yes. Observed: 1 variant allele.
Comment: ZNF469: PM2:Supporting, BP4, BP7

NM_001367624.2(ZNF469):c.8349C>T (p.Ser2783=)

Gene: ZNF469 (zinc finger protein 469; plus strand). Cytogenetic location: 16q24.2.
Variant type: single nucleotide variant.
Coding change: c.8349C>T on transcript NM_001367624.2 (MANE Select); coding-DNA position 8349, C replaced by T.
Protein change: p.Ser2783=; no amino-acid change (serine 2783 retained).
Molecular consequence: synonymous variant.
Genome position (GRCh38, 1-based): chr16:88,435,819, C>T. VCF-style: chr16-88435819-C-T. GRCh37 (hg19) VCF-style: chr16-88502227-C-T.
Identifiers: ClinVar variation 4874070 (VCV004874070.2).